The following is an entry in ClinVar:

NM_001372044.2(SHANK3):c.3991dup (p.Ala1331fs)

Gene: SHANK3 (SH3 and multiple ankyrin repeat domains 3; plus strand). Cytogenetic location: 22q13.33.
Variant type: Duplication.
Coding change: c.3991dup on transcript NM_001372044.2 (MANE Select); coding-DNA position 3991, one base duplicated (G; older notation c.3991dupG).
Protein change: p.Ala1331fs; shifts the reading frame from alanine 1331.
Molecular consequence: frameshift variant.
Genome position (GRCh38, 1-based): chr22:50,721,599, G duplicated; the last of 3 consecutive G bases (chr22:50,721,597-50,721,599); duplicating any one gives the same sequence. VCF-style (leftmost placement, unchanged base first): chr22-50721596-C-CG. GRCh37 (hg19) VCF-style: chr22-51160024-C-CG.
Other names: c.3766dup (NM_033517.1); c.3766dupG (NM_033517.1); short protein forms A1331fs.
Identifiers: ClinVar variation 817701 (VCV000817701.3), dbSNP rs1603447136, ClinGen allele CA915951510.

ClinVar aggregate classification (germline): Pathogenic (1 of 4 stars; one submission).

Submission:

GeneDx
Classification: Pathogenic. Last evaluated: 2026-08-25. Review status: criteria provided, single submitter. Criteria: GeneDx Variant Classification Process June 2021. Collection method: clinical testing. Allele origin: germline.
Comment: Frameshift variant predicted to result in protein truncation or nonsense mediated decay in a gene for which loss of function is a known mechanism of disease; Not observed at significant frequency in large population cohorts (gnomAD); Has not been previously published as pathogenic or benign to our knowledge